The following is an entry in ClinVar:

ClinVar aggregate classification (germline): Uncertain significance (1 of 4 stars; one submission).

Conditions:
Inborn genetic diseases. Identifiers: MedGen C0950123, MeSH D030342.

Submission:

Ambry Genetics
Classification: Uncertain significance for Inborn genetic diseases. Last evaluated: 2025-03-24. Review status: criteria provided, single submitter. Criteria: Ambry Variant Classification Scheme 2023. Collection method: clinical testing. Allele origin: germline.
Comment: The p.M304I variant (also known as c.912G>T), located in coding exon 4 of the WT1 gene, results from a G to T substitution at nucleotide position 912. The methionine at codon 304 is replaced by isoleucine, an amino acid with highly similar properties. This amino acid position is conserved. In addition, the in silico prediction for this alteration is inconclusive. Based on the available evidence, the clinical significance of this variant remains unclear.

NM_024426.6(WT1):c.927G>T (p.Met309Ile)

Gene: WT1 (WT1 transcription factor; minus strand). Cytogenetic location: 11p13.
Variant type: single nucleotide variant.
Coding change: c.927G>T on transcript NM_024426.6 (MANE Select); coding-DNA position 927, G replaced by T.
Protein change: p.Met309Ile; replaces methionine 309 with isoleucine.
Molecular consequence: missense variant. On other transcripts: non-coding transcript variant (2).
Genome position (GRCh38, 1-based): chr11:32,417,615, C>A on the plus strand (G>T on the coding strand, the complement: WT1 is on the minus strand). VCF-style: chr11-32417615-C-A. GRCh37 (hg19) VCF-style: chr11-32439161-C-A.
Other names: c.927G>T, p.Met309Ile (NM_000378.6, NM_001407044.1, NM_001407045.1 and 4 more transcripts); c.276G>T, p.Met92Ile (NM_001198551.2, NM_001198552.2); c.804G>T, p.Met268Ile (NM_001407047.1, NM_001407050.1); c.165G>T, p.Met55Ile (NM_001407051.1); c.708G>T, p.Met236Ile (NM_001429031.1, NM_001429032.1, NM_001429033.1 and 1 more transcripts); short protein forms M304I, M236I, M268I, M55I, M92I, M309I.
Identifiers: ClinVar variation 3982431 (VCV003982431.1).